The following is an entry in ClinVar:

ClinVar aggregate classification (germline): Uncertain significance (1 of 4 stars; one submission).

Conditions:
Cystic fibrosis (CF). Also called: MUCOVISCIDOSIS. Identifiers: Orphanet 586, MedGen C0010674, MONDO:0009061, OMIM 219700. Disease mechanism: loss of function.

Submission:

Ambry Genetics
Classification: Uncertain significance for Cystic fibrosis. Last evaluated: 2025-02-05. Review status: criteria provided, single submitter. Criteria: Ambry Variant Classification Scheme 2023. Collection method: clinical testing. Allele origin: germline.
Comment: The p.T845P variant (also known as c.2533A>C), located in coding exon 15 of the CFTR gene, results from an A to C substitution at nucleotide position 2533. The threonine at codon 845 is replaced by proline, an amino acid with highly similar properties. This amino acid position is conserved. In addition, this alteration is predicted to be deleterious by in silico analysis. Since supporting evidence is limited at this time, the clinical significance of this alteration remains unclear.

NM_000492.4(CFTR):c.2533A>C (p.Thr845Pro)

Gene: CFTR (CF transmembrane conductance regulator; plus strand). Cytogenetic location: 7q31.2.
Variant type: single nucleotide variant.
Coding change: c.2533A>C on transcript NM_000492.4 (MANE Select); coding-DNA position 2533, A replaced by C.
Protein change: p.Thr845Pro; replaces threonine 845 with proline.
Molecular consequence: missense variant.
Genome position (GRCh38, 1-based): chr7:117,594,972, A>C. VCF-style: chr7-117594972-A-C. GRCh37 (hg19) VCF-style: chr7-117235026-A-C.
Other names: short protein forms T845P.
Identifiers: ClinVar variation 1792725 (VCV001792725.3), dbSNP rs2485113746, ClinGen allele CA368983903.